The following is an entry in ClinVar:

ClinVar aggregate classification (germline): Uncertain significance (1 of 4 stars; one submission).

Conditions:
RASopathy. Also called: Noonan spectrum disorder; rasopathies. Identifiers: Orphanet 536391, MedGen C5555857, MONDO:0021060.

Submission:

Labcorp Genetics (formerly Invitae), Labcorp
Classification: Uncertain significance for RASopathy. Last evaluated: 2024-02-27. Review status: criteria provided, single submitter. Criteria: Invitae Variant Classification Sherloc (09022015). Collection method: clinical testing. Allele origin: germline.
Comment: This sequence change falls in intron 13 of the RAF1 gene. It does not directly change the encoded amino acid sequence of the RAF1 protein. It affects a nucleotide within the consensus splice site. This variant is not present in population databases (gnomAD no frequency). This variant has not been reported in the literature in individuals affected with RAF1-related conditions. Variants that disrupt the consensus splice site are a relatively common cause of aberrant splicing (PMID: 17576681, 9536098). Algorithms developed to predict the effect of sequence changes on RNA splicing suggest that this variant may disrupt the consensus splice site. In summary, the available evidence is currently insufficient to determine the role of this variant in disease. Therefore, it has been classified as a Variant of Uncertain Significance.

Literature cited by the submitters: PubMed 17576681; PubMed 9536098.

NM_002880.4(RAF1):c.1417+6C>T

Gene: RAF1 (Raf-1 proto-oncogene, serine/threonine kinase; minus strand). Cytogenetic location: 3p25.2.
Variant type: single nucleotide variant.
Coding change: c.1417+6C>T on transcript NM_002880.4 (MANE Select); 6 bases into the intron after coding-DNA position 1417, C replaced by T.
Molecular consequence: intron variant.
Genome position (GRCh38, 1-based): chr3:12,587,585, G>A on the plus strand (C>T on the coding strand, the complement: RAF1 is on the minus strand). VCF-style: chr3-12587585-G-A. GRCh37 (hg19) VCF-style: chr3-12629084-G-A.
Other names: c.1174+6C>T (NM_001354692.3, NM_001354691.3); c.1234+6C>T (NM_001354694.3); c.1318+6C>T (NM_001354693.3); c.1477+6C>T (NM_001354689.3); c.1417+6C>T (NM_001354690.3); c.1075+6C>T (NM_001354695.3).
Identifiers: ClinVar variation 3642143 (VCV003642143.2).